The following is an entry in ClinVar:

NM_015160.3(PMPCA):c.266C>T (p.Thr89Ile)

Gene: PMPCA (peptidase, mitochondrial processing subunit alpha; plus strand). Cytogenetic location: 9q34.3.
Variant type: single nucleotide variant.
Coding change: c.266C>T on transcript NM_015160.3 (MANE Select); coding-DNA position 266, C replaced by T.
Protein change: p.Thr89Ile; replaces threonine 89 with isoleucine.
Molecular consequence: missense variant. On other transcripts: 5 prime UTR variant (2).
Genome position (GRCh38, 1-based): chr9:136,412,191, C>T. VCF-style: chr9-136412191-C-T. GRCh37 (hg19) VCF-style: chr9-139306643-C-T.
Other names: p.Thr89Ile; c.-33C>T (NM_001282944.2, NM_001282946.2); short protein forms T89I.
Identifiers: ClinVar variation 4541520 (VCV004541520.2).

ClinVar aggregate classification (germline): Uncertain significance. Review status: criteria provided, multiple submitters, no conflicts (2 of 4 stars). 2 submissions from 2 submitters: Uncertain significance (2). Last evaluated 2025-12-16.

gnomAD v4.1: 150 of 1,611,108 alleles (0.0093%); highest among the groups gnomAD compares: African/African-American, 0.17%; 2 homozygotes.

Submissions (2):

Mayo Clinic Laboratories, Mayo Clinic
Classification: Uncertain significance. Last evaluated: 2025-12-16. Review status: criteria provided, single submitter. Criteria: ACMG Guidelines, 2015. Collection method: clinical testing. Allele origin: germline. Observed: 1 variant allele.
Comment: BS1

Labcorp Genetics (formerly Invitae), Labcorp
Classification: Uncertain significance. Last evaluated: 2025-08-03. Review status: criteria provided, single submitter. Criteria: Invitae Variant Classification Sherloc (09022015). Collection method: clinical testing. Allele origin: germline.
Comment: This sequence change replaces threonine, which is neutral and polar, with isoleucine, which is neutral and non-polar, at codon 89 of the PMPCA protein (p.Thr89Ile). This variant is present in population databases (rs143542738, gnomAD 0.2%). This variant has not been reported in the literature in individuals affected with PMPCA-related conditions. Invitae Evidence Modeling of protein sequence and biophysical properties (such as structural, functional, and spatial information, amino acid conservation, physicochemical variation, residue mobility, and thermodynamic stability) indicates that this missense variant is expected to disrupt PMPCA protein function with a positive predictive value of 80%. In summary, the available evidence is currently insufficient to determine the role of this variant in disease. Therefore, it has been classified as a Variant of Uncertain Significance.